The following is an entry in ClinVar:

ClinVar aggregate classification (germline): Likely benign (1 of 4 stars; one submission).

Submission:

CeGaT Center for Human Genetics Tuebingen
Classification: Likely benign. Last evaluated: 2025-02-01. Review status: criteria provided, single submitter. Criteria: CeGaT Center For Human Genetics Tuebingen Variant Classification Criteria Version 2. Collection method: clinical testing. Allele origin: germline. Affected: yes. Observed: 2 variant alleles.
Comment: ARHGEF35: BP4, BP7

NM_001003702.3(ARHGEF35):c.1284C>T (p.Leu428=)

Gene: ARHGEF35 (Rho guanine nucleotide exchange factor 35; minus strand). Cytogenetic location: 7q35.
Variant type: single nucleotide variant.
Coding change: c.1284C>T on transcript NM_001003702.3 (MANE Select); coding-DNA position 1284, C replaced by T.
Protein change: p.Leu428=; no amino-acid change (leucine 428 retained).
Molecular consequence: synonymous variant.
Genome position (GRCh38, 1-based): chr7:144,187,100, G>A on the plus strand (C>T on the coding strand, the complement: ARHGEF35 is on the minus strand). VCF-style: chr7-144187100-G-A. GRCh37 (hg19) VCF-style: chr7-143884193-G-A.
Other names: c.1284C>T, p.Leu428= (NM_001368318.1).
Identifiers: ClinVar variation 3388390 (VCV003388390.14).